The following is an entry in ClinVar:

NM_014425.5(INVS):c.521A>T (p.Asn174Ile)

Gene: INVS (inversin; plus strand). Cytogenetic location: 9q31.1.
Variant type: single nucleotide variant.
Coding change: c.521A>T on transcript NM_014425.5 (MANE Select); coding-DNA position 521, A replaced by T.
Protein change: p.Asn174Ile; replaces asparagine 174 with isoleucine.
Molecular consequence: missense variant. On other transcripts: 5 prime UTR variant (1), non-coding transcript variant (1).
Genome position (GRCh38, 1-based): chr9:100,229,733, A>T. VCF-style: chr9-100229733-A-T. GRCh37 (hg19) VCF-style: chr9-102992015-A-T.
Other names: c.233A>T, p.Asn78Ile (NM_001318381.2); c.-469A>T (NM_001318382.2); short protein forms N78I, N174I.
Identifiers: ClinVar variation 5001082 (VCV005001082.1).
Genomic context (GRCh38, chr9:100,229,733, plus strand): 5'-ATTGGAGTGCCTACTACAATAACCCTGAGCATGTGAAGCTGCTCATCAAGCATGATTCTA[A>T]CATTGGGATTCCTGATGTTGAAGGCAAGATCCCACTTCACTGGGCAGCCAACCATAAAGA-3'
Protein context (NP_055240.2, residues 164-184): HVKLLIKHDS[Asn174Ile]IGIPDVEGKI

ClinVar aggregate classification (germline): Uncertain significance (1 of 4 stars; one submission).

Conditions:
INVS-related disorder. Also called: INVS-related condition.

gnomAD v4.1: 4 of 1,613,964 alleles (0.00025%); highest among the groups gnomAD compares: African/African-American, 0.0053%; no homozygotes.

Submission:

PreventionGenetics, part of Exact Sciences
Classification: Uncertain significance for INVS-related condition. Last evaluated: 2026-02-17. Review status: criteria provided, single submitter. Criteria: ACMG Guidelines, 2015. Collection method: clinical testing. Allele origin: germline.
Comment: The INVS c.521A>T variant is predicted to result in the amino acid substitution p.Asn174Ile. To our knowledge, this variant has not been reported in the literature. This variant is reported in 0.011% of alleles in individuals of African descent in gnomAD. At this time, the clinical significance of this variant is uncertain due to the absence of conclusive functional and genetic evidence.